The following is an entry in ClinVar:

ClinVar aggregate classification (germline): Uncertain significance. Review status: criteria provided, multiple submitters, no conflicts (2 of 4 stars). 3 submissions from 3 submitters: Uncertain significance (3). Last evaluated 2026-01-01.

Conditions:
Thyroid dyshormonogenesis 6 (TDH6). Also called: HYPOTHYROIDISM, CONGENITAL, DUE TO DYSHORMONOGENESIS, 6; Genetic transient congenital hypothyroidism; THYROID HORMONOGENESIS, GENETIC DEFECT IN, 6. Identifiers: Orphanet 226316, Orphanet 95716, MedGen C1846632, MONDO:0011792, OMIM 607200.

Allele frequency attached by ClinVar (database versions not stated): gnomAD 0.00001; TOPMed 0.00001; gnomAD exomes 0.00003; ExAC 0.00005.
gnomAD v4.1: 46 of 1,613,930 alleles (0.0029%); highest among the groups gnomAD compares: South Asian, 0.043%; no homozygotes.

Submissions (3):

Labcorp Genetics (formerly Invitae), Labcorp
Classification: Uncertain significance. Last evaluated: 2026-01-01. Review status: criteria provided, single submitter. Criteria: Invitae Variant Classification Sherloc (09022015). Collection method: clinical testing. Allele origin: germline.
Comment: This sequence change replaces lysine, which is basic and polar, with arginine, which is basic and polar, at codon 1174 of the DUOX2 protein (p.Lys1174Arg). This variant is present in population databases (rs775017655, gnomAD 0.04%). This missense change has been observed in individual(s) with congenital hypothyroidism (PMID: 37390946). ClinVar contains an entry for this variant (Variation ID: 2627960). Invitae Evidence Modeling of protein sequence and biophysical properties (such as structural, functional, and spatial information, amino acid conservation, physicochemical variation, residue mobility, and thermodynamic stability) indicates that this missense variant is not expected to disrupt DUOX2 protein function with a negative predictive value of 80%. In summary, the available evidence is currently insufficient to determine the role of this variant in disease. Therefore, it has been classified as a Variant of Uncertain Significance.

Women's Health and Genetics/Laboratory Corporation of America, LabCorp
Classification: Uncertain significance. Last evaluated: 2024-06-05. Review status: criteria provided, single submitter. Criteria: LabCorp Variant Classification Summary - May 2015. Collection method: clinical testing. Allele origin: germline.
Comment: Variant summary: DUOX2 c.3521A>G (p.Lys1174Arg) results in a conservative amino acid change located in the Ferric reductase transmembrane component-like domain (IPR013130) of the encoded protein sequence. Five of five in-silico tools predict a benign effect of the variant on protein function. The variant allele was found at a frequency of 5.6e-05 in 251176 control chromosomes (gnomAD). This frequency is not significantly higher than estimated for a pathogenic variant in DUOX2 causing Thyroid Dyshormonogenesis 6, allowing no conclusion about variant significance. c.3521A>G has been reported in the literature in an individual affected with hypothyroidism (Zhang_2023). These data do not allow any conclusion about variant significance. To our knowledge, no experimental evidence demonstrating an impact on protein function has been reported. The following publication has been ascertained in the context of this evaluation (PMID: 37390946). ClinVar contains an entry for this variant (Variation ID: 2627960). Based on the evidence outlined above, the variant was classified as uncertain significance.

Neuberg Centre For Genomic Medicine, NCGM
Classification: Uncertain significance for Thyroid dyshormonogenesis 6. Review status: criteria provided, single submitter. Criteria: ACMG Guidelines, 2015. Collection method: clinical testing. Allele origin: germline. Inheritance: Autosomal recessive inheritance. Affected: yes.
Comment: The missense variant p.K1174R in DUOX2 (NM_001363711.2) has not been reported previously as a pathogenic variant nor as a benign variant, to our knowledge. The p.K1174R variant is observed in 12/30,616 (0.0392%) alleles from individuals of South Asian background in gnomAD Exomes and is novel (not in any individuals) in 1000 Genomes. There is a small physicochemical difference between lysine and arginine, which is not likely to impact secondary protein structure as these residues share similar properties. The variant is predicted to be damaging by SIFT and the residue is conserved across species. The amino acid change p.Lys1174Arg in DUOX2 is predicted as conserved by GERP++ and PhyloP across 100 vertebrates. For these reasons, this variant has been classified as Uncertain Significance.

Literature cited by the submitters: PubMed 37390946 (cited by Labcorp Genetics (formerly Invitae), Labcorp and Women's Health and Genetics/Laboratory Corporation of America, LabCorp).

NM_001363711.2(DUOX2):c.3521A>G (p.Lys1174Arg)

Gene: DUOX2 (dual oxidase 2; minus strand). Cytogenetic location: 15q21.1.
Variant type: single nucleotide variant.
Coding change: c.3521A>G on transcript NM_001363711.2 (MANE Select); coding-DNA position 3521, A replaced by G.
Protein change: p.Lys1174Arg; replaces lysine 1174 with arginine.
Molecular consequence: missense variant.
Genome position (GRCh38, 1-based): chr15:45,098,053, T>C on the plus strand (A>G on the coding strand, the complement: DUOX2 is on the minus strand). VCF-style: chr15-45098053-T-C. GRCh37 (hg19) VCF-style: chr15-45390251-T-C.
Other names: c.3521A>G, p.Lys1174Arg (NM_014080.5); short protein forms K1174R.
Identifiers: ClinVar variation 2627960 (VCV002627960.5), dbSNP rs775017655, ClinGen allele CA7537836.